The following is an entry in ClinVar:

ClinVar aggregate classification (germline): Uncertain significance (1 of 4 stars; one submission).

Conditions:
Inborn genetic diseases. Identifiers: MedGen C0950123, MeSH D030342.

gnomAD v4.1: 2 of 1,612,086 alleles (0.00012%); highest among the groups gnomAD compares: Non-Finnish European, 0.00017%; no homozygotes.

Submission:

Ambry Genetics
Classification: Uncertain significance for Inborn genetic diseases. Last evaluated: 2023-05-28. Review status: criteria provided, single submitter. Criteria: Ambry Variant Classification Scheme 2023. Collection method: clinical testing. Allele origin: germline.
Comment: The p.C460F variant (also known as c.1379G>T), located in coding exon 13 of the AKT1 gene, results from a G to T substitution at nucleotide position 1379. The cysteine at codon 460 is replaced by phenylalanine, an amino acid with highly dissimilar properties. This amino acid position is conserved. In addition, this alteration is predicted to be tolerated by in silico analysis. Since supporting evidence is limited at this time, the clinical significance of this alteration remains unclear.

NM_001382430.1(AKT1):c.1379G>T (p.Cys460Phe)

Gene: AKT1 (AKT serine/threonine kinase 1; minus strand). Cytogenetic location: 14q32.33.
Variant type: single nucleotide variant.
Coding change: c.1379G>T on transcript NM_001382430.1 (MANE Select); coding-DNA position 1379, G replaced by T.
Protein change: p.Cys460Phe; replaces cysteine 460 with phenylalanine.
Molecular consequence: missense variant.
Genome position (GRCh38, 1-based): chr14:104,770,405, C>A on the plus strand (G>T on the coding strand, the complement: AKT1 is on the minus strand). VCF-style: chr14-104770405-C-A. GRCh37 (hg19) VCF-style: chr14-105236742-C-A.
Other names: c.1379G>T, p.Cys460Phe (NM_001014431.2, NM_001014432.2, NM_001382431.1 and 3 more transcripts); short protein forms C460F.
Identifiers: ClinVar variation 2567947 (VCV002567947.2), dbSNP rs2542099675, ClinGen allele CA391214334.